The following is an entry in ClinVar:

ClinVar aggregate classification (germline): Uncertain significance (1 of 4 stars; one submission).

Submission:

GeneDx
Classification: Uncertain significance. Last evaluated: 2024-03-25. Review status: criteria provided, single submitter. Criteria: GeneDx Variant Classification Process June 2021. Collection method: clinical testing. Allele origin: germline. Affected: yes.
Comment: Not observed at significant frequency in large population cohorts (gnomAD); In silico analysis supports that this missense variant has a deleterious effect on protein structure/function; Has not been previously published as pathogenic or benign to our knowledge.

NM_005445.4(SMC3):c.431T>C (p.Ile144Thr)

Gene: SMC3 (structural maintenance of chromosomes 3; plus strand). Cytogenetic location: 10q25.2.
Variant type: single nucleotide variant.
Coding change: c.431T>C on transcript NM_005445.4 (MANE Select); coding-DNA position 431, T replaced by C.
Protein change: p.Ile144Thr; replaces isoleucine 144 with threonine.
Molecular consequence: missense variant.
Genome position (GRCh38, 1-based): chr10:110,580,905, T>C. VCF-style: chr10-110580905-T-C. GRCh37 (hg19) VCF-style: chr10-112340663-T-C.
Other names: short protein forms I144T.
Identifiers: ClinVar variation 3371218 (VCV003371218.1).
Genomic context (GRCh38, chr10:110,580,905, plus strand): 5'-GTTCTTCTTCTTAAACGGAGGCTACAGCTATGTAATGATTATTTTTCTAAAAATTTTAGA[T>C]CAACCAGATGGCAACAGCACCAGATTCTCAGAGATTAAAGCTATTAAGAGAAGTAGCTGG-3'
Protein context (NP_005436.1, residues 134-154): NPYYIVKQGK[Ile144Thr]NQMATAPDSQ